The following is an entry in ClinVar:

ClinVar aggregate classification (germline): Likely pathogenic (1 of 4 stars; one submission).

Conditions:
Developmental and epileptic encephalopathy, 9 (DEE9). Also called: JUBERG-HELLMAN SYNDROME; Early infantile epileptic encephalopathy 9; EPILEPSY, FEMALE-RESTRICTED, WITH MENTAL RETARDATION; PCDH19-Related X-Linked Female-Limited Epilepsy with Mental Retardation. Identifiers: Orphanet 101039, Orphanet 2076, MedGen C1848137, MONDO:0010246, OMIM 300088. Disease mechanism: loss of function.

Submission:

Institute of Human Genetics, University of Leipzig Medical Center
Classification: Likely pathogenic for Developmental and epileptic encephalopathy, 9. Last evaluated: 2022-08-10. Review status: criteria provided, single submitter. Criteria: ACMG Guidelines, 2015. Collection method: clinical testing. Allele origin: unknown. Affected: yes.
Comment: _x000D_ Criteria applied: PVS1, PM2_SUP

NM_001184880.2:c.(2147+1_2148-1)_(2616+1_2617-1)del

Gene: PCDH19 (protocadherin 19; minus strand).
Variant type: Deletion.
Other names: c.(2147+1_2148-1)_(2616+1_2617-1)del (NM_001184880.2).
Identifiers: ClinVar variation 1707510 (VCV001707510.1).